The following is an entry in ClinVar:

ClinVar aggregate classification (germline): Pathogenic. Review status: reviewed by expert panel (3 of 4 stars). 9 submissions from 9 submitters: Pathogenic (1). 8 of the submissions do not count toward it. Last evaluated 2026-02-26.

Conditions:
Muscular dystrophy, limb-girdle, autosomal dominant 4. Also called: Calpain-3-related limb-girdle muscular dystrophy D4; MUSCULAR DYSTROPHY, LIMB-GIRDLE, TYPE 1I. Identifiers: Orphanet 565909, MedGen C4748295, MONDO:0029133, OMIM 618129.
Autosomal recessive limb-girdle muscular dystrophy type 2A (LGMDR1). Also called: Muscular dystrophy, limb-girdle, type 2A, Amish; Limb-girdle muscular dystrophy, type 2A; Calpainopathy; LEYDEN-MOEBIUS MUSCULAR DYSTROPHY; MUSCULAR DYSTROPHY, PELVOFEMORAL. Identifiers: Orphanet 267, MedGen C1869123, MONDO:0009675, OMIM 253600. Disease mechanism: loss of function.
CAPN3-related disorder. Also called: CAPN3-related condition; CAPN3-related disorders. Identifiers: MedGen CN239245.
Autosomal recessive limb-girdle muscular dystrophy. Identifiers: Orphanet 102015, MedGen C2931907, MONDO:0015152.

Allele frequency attached by ClinVar (database versions not stated): ExAC 0.00001; gnomAD exomes 0.00001.
gnomAD v4.1: 6 of 1,614,160 alleles (0.00037%); highest among the groups gnomAD compares: Admixed American, 0.0017%; no homozygotes.

Submissions (9):

ClinGen Limb Girdle Muscular Dystrophy Variant Curation Expert Panel, ClinGen
Classification: Pathogenic for Autosomal recessive limb-girdle muscular dystrophy. Last evaluated: 2026-02-26. Review status: reviewed by expert panel. Criteria: ClinGen LGMD VCEP ACMG Specifications CAPN3 V2.0.0. Collection method: curation. Allele origin: germline. Inheritance: Autosomal recessive inheritance.
Comment: The NM_213599.3: c.2288A>G variant in CAPN3 is a missense variant expected to cause the substitution of tyrosine with cysteine at position 763, p.(Tyr763Cys). This variant has been identified in at least six individuals with features consistent with LGMD (PMID: 16816913, 32994280, 33963534, 30564623; LOVD CAPN3_000119), including in a homozygous state without reported consanguinity in two unrelated patients (1.0 pt; PMID: 33963534, 30564623; LOVD Individuals #00361984, #00220100). It has also been reported in unconfirmed phase with a pathogenic variant in two patients (c.1621C>T p.(Arg541Trp), 0.5 pts, PMID: 32994280, LOVD Individual #00311254; c.2243G>A p.(Arg748Gln), 0.5 pts, PMID: 30564623, LOVD Individual #00220339) (PM3_Strong). At least one patient with this variant and a second presumed diagnostic CAPN3 allele had progressive pelvic girdle muscle weakness and absent calpain-3 protein expression in skeletal muscle, which is highly specific for CAPN3-related LGMD (PMID: 1681691; PP4_Strong). The upper bound of the 95% confidence interval (95% CI) of the Grpmax variant allele frequency in gnomAD v4.1.0 is 0.000007757 (4/1179962 European (non-Finnish) chromosomes, which is less than the threshold of 0.0001 (PM2_Supporting). The computational predictor REVEL gives a score of 0.93, which exceeds the VCEP threshold of ≥0.70, evidence that correlates with impact to ANO5 function (PP3). In summary, this variant meets the criteria to be classified as Pathogenic for autosomal recessive limb girdle muscular dystrophy based on the ACMG criteria applied, as specified by the LGMD VCEP (specifications version 2.0.0; 02/26/2026): PM3_Strong, PP4_Strong, PM2_Supporting, PP3.

Revvity Omics, Revvity
Classification: Pathogenic. Last evaluated: 2025-06-09. Review status: criteria provided, single submitter. Criteria: ACMG Guidelines, 2015. Collection method: clinical testing. Allele origin: germline. Not counted in ClinVar's aggregate classification.

Labcorp Genetics (formerly Invitae), Labcorp
Classification: Pathogenic for Autosomal recessive limb-girdle muscular dystrophy type 2A. Last evaluated: 2025-05-21. Review status: criteria provided, single submitter. Criteria: Invitae Variant Classification Sherloc (09022015). Collection method: clinical testing. Allele origin: germline. Not counted in ClinVar's aggregate classification.
Comment: This sequence change replaces tyrosine, which is neutral and polar, with cysteine, which is neutral and slightly polar, at codon 763 of the CAPN3 protein (p.Tyr763Cys). This variant is present in population databases (rs764459544, gnomAD 0.003%). This missense change has been observed in individual(s) with autosomal recessive limb-girdle muscular dystrophy (PMID: 16816913, 17236769, 26677118; internal data). It has also been observed to segregate with disease in related individuals. ClinVar contains an entry for this variant (Variation ID: 282681). Invitae Evidence Modeling of protein sequence and biophysical properties (such as structural, functional, and spatial information, amino acid conservation, physicochemical variation, residue mobility, and thermodynamic stability) indicates that this missense variant is not expected to disrupt CAPN3 protein function with a negative predictive value of 80%. For these reasons, this variant has been classified as Pathogenic.

Natera, Inc.
Classification: Pathogenic for Limb-girdle muscular dystrophy type 2A. Last evaluated: 2025-05-08. Review status: criteria provided, single submitter. Criteria: Natera Variant Classification Schema (03/2026). Collection method: clinical testing. Allele origin: germline. Not counted in ClinVar's aggregate classification.
Comment: The c.2288A>G variant in CAPN3 is a missense variant predicted to cause substitution of tyrosine to cysteine at amino acid 763. This variant is rare in the general population with a frequency below the threshold expected for the associated phenotype(s). This variant has been observed in one or more individuals affected with the associated recessive disease, as either homozygous or compound heterozygous with a second variant (PMID: 35239206, 33963534, 26677118, 18073330, 16816913). Given the available evidence, this variant is classified as Pathogenic.

Fulgent Genetics
Classification: Pathogenic for Autosomal recessive limb-girdle muscular dystrophy type 2A; Muscular dystrophy, limb-girdle, autosomal dominant 4. Last evaluated: 2024-04-09. Review status: criteria provided, single submitter. Criteria: ACMG Guidelines, 2015. Collection method: clinical testing. Allele origin: germline. Not counted in ClinVar's aggregate classification.

Baylor Genetics
Classification: Pathogenic for Muscular dystrophy, limb-girdle, autosomal dominant 4. Last evaluated: 2024-03-26. Review status: criteria provided, single submitter. Criteria: ACMG Guidelines, 2015. Collection method: clinical testing. Allele origin: unknown. Not counted in ClinVar's aggregate classification.

Blueprint Genetics
Classification: Pathogenic for CAPN3-related disorders. Last evaluated: 2023-12-07. Review status: criteria provided, single submitter. Criteria: ACMG Guidelines, 2015. Collection method: clinical testing. Allele origin: germline. Affected: yes. Observed: 3 variant alleles. Not counted in ClinVar's aggregate classification.

Women's Health and Genetics/Laboratory Corporation of America, LabCorp
Classification: Pathogenic for Autosomal recessive limb-girdle muscular dystrophy. Last evaluated: 2023-03-15. Review status: criteria provided, single submitter. Criteria: LabCorp Variant Classification Summary - May 2015. Collection method: clinical testing. Allele origin: germline. Not counted in ClinVar's aggregate classification.
Comment: Variant summary: CAPN3 c.2288A>G (p.Tyr763Cys) results in a non-conservative amino acid change located in the Calpain-3, penta-EF-hand domain (IPR029531) of the encoded protein sequence. Four of five in-silico tools predict a damaging effect of the variant on protein function. The variant allele was found at a frequency of 8e-06 in 251396 control chromosomes (gnomAD). c.2288A>G has been reported in the literature in multiple individuals affected with limb-girdle muscular dystrophy (example: Pizzanelli_2006, Milic_2007, Saat__2021 and Ganaraja_2021). These data indicate that the variant is very likely to be associated with disease. Four clinical diagnostic laboratories have submitted clinical-significance assessments for this variant to ClinVar after 2014 without evidence for independent evaluation. All laboratories classified the variant as pathogenic/likely pathogenic. Based on the evidence outlined above, the variant was classified as pathogenic.

Eurofins Ntd Llc (ga)
Classification: Pathogenic. Last evaluated: 2018-08-23. Review status: criteria provided, single submitter. Criteria: EGL ClinVar v180209 classification definitions. Collection method: clinical testing. Allele origin: germline. Observed: 8 variant alleles, 7 heterozygotes, 1 homozygote. Not counted in ClinVar's aggregate classification.

Literature cited by the submitters: PubMed 16816913 (cited by 3 submitters); PubMed 17236769 (cited by Labcorp Genetics (formerly Invitae), Labcorp and Women's Health and Genetics/Laboratory Corporation of America, LabCorp); PubMed 26677118 (cited by Labcorp Genetics (formerly Invitae), Labcorp and Natera, Inc.); PubMed 35239206 (cited by Natera, Inc. and Women's Health and Genetics/Laboratory Corporation of America, LabCorp); PubMed 33963534 (cited by Natera, Inc. and Women's Health and Genetics/Laboratory Corporation of America, LabCorp); PubMed 18073330 (cited by Natera, Inc.); PubMed 17526799 (cited by Women's Health and Genetics/Laboratory Corporation of America, LabCorp); PubMed 35169782 (cited by Women's Health and Genetics/Laboratory Corporation of America, LabCorp).

NM_000070.3(CAPN3):c.2288A>G (p.Tyr763Cys)

Gene: CAPN3 (calpain 3; plus strand). Cytogenetic location: 15q15.1.
Variant type: single nucleotide variant.
Coding change: c.2288A>G on transcript NM_000070.3 (MANE Select); coding-DNA position 2288, A replaced by G.
Protein change: p.Tyr763Cys; replaces tyrosine 763 with cysteine.
Molecular consequence: missense variant.
Genome position (GRCh38, 1-based): chr15:42,410,908, A>G. VCF-style: chr15-42410908-A-G. GRCh37 (hg19) VCF-style: chr15-42703106-A-G.
Other names: NM_000070.3(CAPN3):c.2288A>G; p.Tyr763Cys; c.2270A>G, p.Tyr757Cys (NM_024344.2); c.2012A>G, p.Tyr671Cys (NM_173087.2); c.752A>G, p.Tyr251Cys (NM_173088.2); c.293A>G, p.Tyr98Cys (NM_173089.2, NM_173090.2); short protein forms Y763C, Y251C, Y757C, Y671C, Y98C.
Identifiers: ClinVar variation 282681 (VCV000282681.29), dbSNP rs764459544, ClinGen allele CA7511820.